The following is an entry in ClinVar:

ClinVar aggregate classification (germline): Uncertain significance (1 of 4 stars; one submission).

Conditions:
Cardiovascular phenotype. Identifiers: MedGen CN230736.

Submission:

Ambry Genetics
Classification: Uncertain significance for Cardiovascular phenotype. Last evaluated: 2024-06-04. Review status: criteria provided, single submitter. Criteria: Ambry Variant Classification Scheme 2023. Collection method: clinical testing. Allele origin: germline.
Comment: The c.1237+1G>C intronic variant results from a G to C substitution one nucleotide after coding exon 6 of the SNTA1 gene. This nucleotide position is highly conserved in available vertebrate species. In silico splice site analysis predicts that this alteration will weaken the native splice donor site and may result in the creation or strengthening of a novel splice donor site. Alterations that disrupt the canonical splice site are expected to cause aberrant splicing, resulting in an abnormal protein or a transcript that is subject to nonsense-mediated mRNA decay. However, loss of function of SNTA1 has not been established as a mechanism of disease. The evidence for this gene-disease relationship is limited; therefore, the clinical significance of this alteration is unclear.

NM_003098.3(SNTA1):c.1237+1G>C

Gene: SNTA1 (syntrophin alpha 1; minus strand). Cytogenetic location: 20q11.21.
Variant type: single nucleotide variant.
Coding change: c.1237+1G>C on transcript NM_003098.3 (MANE Select); the canonical splice donor site of the intron after coding-DNA position 1237, G replaced by C.
Molecular consequence: splice donor variant. On other transcripts: missense variant (1).
Genome position (GRCh38, 1-based): chr20:33,410,134, C>G on the plus strand (G>C on the coding strand, the complement: SNTA1 is on the minus strand). VCF-style: chr20-33410134-C-G. GRCh37 (hg19) VCF-style: chr20-31997940-C-G.
Other names: c.1238G>C, p.Gly413Ala (NM_001424414.1); c.1237+1G>C (NM_001424413.1); short protein forms G413A.
Identifiers: ClinVar variation 3321214 (VCV003321214.1).
Genomic context (GRCh38, chr20:33,410,134, plus strand): 5'-AATGCCCCTGGGGATAAGAGGCTTATTACCAGAGGGACACTCCCAGATCCTCCCAGCACA[C>G]CTGTAGACACCTCCTGCACACCCTCGGCGGCCCGGTGACAGCCATCCACAAGCTGGCGGG-3'